The following is an entry in ClinVar:

ClinVar aggregate classification (germline): Uncertain significance (1 of 4 stars; one submission).

gnomAD v4.1: 3 of 1,612,534 alleles (0.00019%); highest among the groups gnomAD compares: Non-Finnish European, 0.00025%; no homozygotes.

Submission:

GeneDx
Classification: Uncertain significance. Last evaluated: 2025-03-27. Review status: criteria provided, single submitter. Criteria: GeneDx Variant Classification Process June 2021. Collection method: clinical testing. Allele origin: germline. Affected: yes.
Comment: Not observed at significant frequency in large population cohorts (gnomAD); In silico analysis indicates that this missense variant does not alter protein structure/function; Has not been previously published as pathogenic or benign to our knowledge

NM_001317778.2(SFTPC):c.533C>T (p.Ala178Val)

Gene: SFTPC (surfactant protein C; plus strand). Cytogenetic location: 8p21.3.
Variant type: single nucleotide variant.
Coding change: c.533C>T on transcript NM_001317778.2 (MANE Select); coding-DNA position 533, C replaced by T.
Protein change: p.Ala178Val; replaces alanine 178 with valine.
Molecular consequence: missense variant.
Genome position (GRCh38, 1-based): chr8:22,163,998, C>T. VCF-style: chr8-22163998-C-T. GRCh37 (hg19) VCF-style: chr8-22021511-C-T.
Other names: c.533C>T, p.Ala178Val (NM_001172357.2, NM_001317780.2, NM_001385656.1 and 3 more transcripts); c.551C>T, p.Ala184Val (NM_001172410.2, NM_001385653.1, NM_001385654.1 and 2 more transcripts); c.392C>T, p.Ala131Val (NM_001317779.2, NM_001385660.1); short protein forms A131V, A178V, A184V.
Identifiers: ClinVar variation 4087945 (VCV004087945.1).